The following is an entry in ClinVar:

ClinVar aggregate classification (germline): Uncertain significance. Review status: criteria provided, multiple submitters, no conflicts (2 of 4 stars). 2 submissions from 2 submitters: Uncertain significance (2). Last evaluated 2025-12-25.

Conditions:
Werner syndrome (WRN). Identifiers: Orphanet 902, MedGen C0043119, MONDO:0010196, OMIM 277700.

Allele frequency attached by ClinVar (database versions not stated): gnomAD exomes below 0.00001.
gnomAD v4.1: 2 of 1,614,070 alleles (0.00012%); highest among the groups gnomAD compares: South Asian, 0.0011%; no homozygotes.

Submissions (2):

Labcorp Genetics (formerly Invitae), Labcorp
Classification: Uncertain significance for Werner syndrome. Last evaluated: 2025-12-25. Review status: criteria provided, single submitter. Criteria: Invitae Variant Classification Sherloc (09022015). Collection method: clinical testing. Allele origin: germline.
Comment: This sequence change replaces isoleucine, which is neutral and non-polar, with valine, which is neutral and non-polar, at codon 333 of the WRN protein (p.Ile333Val). This variant is not present in population databases (gnomAD no frequency). This variant has not been reported in the literature in individuals affected with WRN-related conditions. ClinVar contains an entry for this variant (Variation ID: 1319392). An algorithm developed to predict the effect of missense changes on protein structure and function outputs the following: PolyPhen-2: "Benign". The valine amino acid residue is found in multiple mammalian species, which suggests that this missense change does not adversely affect protein function. In summary, the available evidence is currently insufficient to determine the role of this variant in disease. Therefore, it has been classified as a Variant of Uncertain Significance.

Institute for Clinical Genetics, University Hospital TU Dresden, University Hospital TU Dresden
Classification: Uncertain significance. Last evaluated: 2021-11-03. Review status: criteria provided, single submitter. Criteria: ACMG Guidelines, 2015. Collection method: clinical testing. Allele origin: germline.

NM_000553.6(WRN):c.997A>G (p.Ile333Val)

Gene: WRN (WRN RecQ like helicase; plus strand). Cytogenetic location: 8p12.
Variant type: single nucleotide variant.
Coding change: c.997A>G on transcript NM_000553.6 (MANE Select); coding-DNA position 997, A replaced by G.
Protein change: p.Ile333Val; replaces isoleucine 333 with valine.
Molecular consequence: missense variant.
Genome position (GRCh38, 1-based): chr8:31,081,024, A>G. VCF-style: chr8-31081024-A-G. GRCh37 (hg19) VCF-style: chr8-30938540-A-G.
Other names: short protein forms I333V.
Identifiers: ClinVar variation 1319392 (VCV001319392.6), dbSNP rs2130118767, ClinGen allele CA370920171.